The following is an entry in ClinVar:

ClinVar aggregate classification (germline): Uncertain significance. Review status: criteria provided, multiple submitters, no conflicts (2 of 4 stars). 2 submissions from 2 submitters: Uncertain significance (2). Last evaluated 2024-02-17.

Conditions:
Hereditary spastic paraplegia 3A (SPG3A). Also called: SPASTIC PARAPLEGIA 3, AUTOSOMAL DOMINANT; FAMILIAL SPASTIC PARAPLEGIA, AUTOSOMAL DOMINANT, 1; SPG3; STRUMPELL DISEASE; Spastic Paraplegia 3A; Spastic paraplegia 3A, autosomal dominant. Identifiers: Orphanet 100984, MedGen C2931355, MONDO:0008437, OMIM 182600.
Inborn genetic diseases. Identifiers: MedGen C0950123, MeSH D030342.

Allele frequency attached by ClinVar (database versions not stated): gnomAD exomes 0.00001 and 0.00002; gnomAD 0.00002; TOPMed 0.00003.
gnomAD v4.1: 30 of 1,611,136 alleles (0.0019%); highest among the groups gnomAD compares: Admixed American, 0.0067%; no homozygotes.

Submissions (2):

Labcorp Genetics (formerly Invitae), Labcorp
Classification: Uncertain significance for Hereditary spastic paraplegia 3A. Last evaluated: 2024-02-17. Review status: criteria provided, single submitter. Criteria: Invitae Variant Classification Sherloc (09022015). Collection method: clinical testing. Allele origin: germline.
Comment: This sequence change replaces tyrosine, which is neutral and polar, with cysteine, which is neutral and slightly polar, at codon 525 of the ATL1 protein (p.Tyr525Cys). This variant is present in population databases (no rsID available, gnomAD 0.003%). This missense change has been observed in individual(s) with clinical features of hereditary sensory and autonomic neuropathy (Invitae). ClinVar contains an entry for this variant (Variation ID: 1449091). Advanced modeling of protein sequence and biophysical properties (such as structural, functional, and spatial information, amino acid conservation, physicochemical variation, residue mobility, and thermodynamic stability) performed at Invitae indicates that this missense variant is not expected to disrupt ATL1 protein function with a negative predictive value of 95%. In summary, the available evidence is currently insufficient to determine the role of this variant in disease. Therefore, it has been classified as a Variant of Uncertain Significance.

Ambry Genetics
Classification: Uncertain significance for Inborn genetic diseases. Last evaluated: 2024-01-19. Review status: criteria provided, single submitter. Criteria: Ambry Variant Classification Scheme 2023. Collection method: clinical testing. Allele origin: germline.

NM_015915.5(ATL1):c.1574A>G (p.Tyr525Cys)

Gene: ATL1 (atlastin GTPase 1; plus strand). Cytogenetic location: 14q22.1.
Variant type: single nucleotide variant.
Coding change: c.1574A>G on transcript NM_015915.5 (MANE Select); coding-DNA position 1574, A replaced by G.
Protein change: p.Tyr525Cys; replaces tyrosine 525 with cysteine.
Molecular consequence: missense variant.
Genome position (GRCh38, 1-based): chr14:50,632,236, A>G. VCF-style: chr14-50632236-A-G. GRCh37 (hg19) VCF-style: chr14-51098954-A-G.
Other names: c.1559A>G, p.Tyr520Cys (NM_001127713.1, NM_181598.4); c.1574A>G (NM_015915.4); short protein forms Y520C, Y525C.
Identifiers: ClinVar variation 1449091 (VCV001449091.7), dbSNP rs1049367585, ClinGen allele CA260797679.